The following is an entry in ClinVar:

NM_020433.5(JPH2):c.640_641delinsTT (p.Ala214Leu)

Gene: JPH2 (junctophilin 2; minus strand). Cytogenetic location: 20q13.12.
Variant type: Indel.
Coding change: c.640_641delinsTT on transcript NM_020433.5 (MANE Select); coding-DNA positions 640 to 641, GC replaced by TT.
Protein change: p.Ala214Leu; replaces alanine 214 with leucine.
Molecular consequence: missense variant.
Genome position (GRCh38, 1-based): chr20:44,160,146-44,160,147, GC replaced by AA on the plus strand (GC replaced by TT on the coding strand, the reverse complement: JPH2 is on the minus strand). VCF-style: chr20-44160146-GC-AA. GRCh37 (hg19) VCF-style: chr20-42788786-GC-AA.
Other names: c.640_641delGCinsTT, p.Ala214Leu (NM_020433.4); short protein forms A214L.
Identifiers: ClinVar variation 3767394 (VCV003767394.1).
Genomic context (GRCh38, chr20:44,160,146, plus strand): 5'-TCTGCGCGCCGCAGCTTGCCCAGCAGCGCGCCCCGCTGGAAGAGGCCGCCGCCCTTGGGC[GC>AA]CCGCGCGGCCGCCTCGGCATTGGCCAGGAGGCTGAGCGCGAAGCCGCCACGCGGGATGGC-3'
Protein context (NP_065166.2, residues 204-224): LLANAEAAAR[Ala214Leu]PKGGGLFQRG

ClinVar aggregate classification (germline): Uncertain significance (1 of 4 stars; one submission).

Submission:

GeneDx
Classification: Uncertain significance. Last evaluated: 2024-09-10. Review status: criteria provided, single submitter. Criteria: GeneDx Variant Classification Process June 2021. Collection method: clinical testing. Allele origin: germline. Affected: yes.
Comment: Has not been previously published as pathogenic or benign to our knowledge; Not observed at significant frequency in large population cohorts (gnomAD); In silico analysis indicates that this variant does not alter protein structure/function